The following is an entry in ClinVar:

ClinVar aggregate classification (germline): Uncertain significance. Review status: criteria provided, multiple submitters, no conflicts (2 of 4 stars). 2 submissions from 2 submitters: Uncertain significance (2). Last evaluated 2025-02-19.

Conditions:
HGF-related disorder. Also called: HGF-related condition.

Allele frequency attached by ClinVar (database versions not stated): gnomAD exomes 0.00001 and 0.00004; ExAC 0.00003.
gnomAD v4.1: 18 of 1,611,784 alleles (0.0011%); highest among the groups gnomAD compares: South Asian, 0.02%; no homozygotes.

Submissions (2):

PreventionGenetics, part of Exact Sciences
Classification: Uncertain significance for HGF-related condition. Last evaluated: 2025-02-19. Review status: criteria provided, single submitter. Criteria: ACMG Guidelines, 2015. Collection method: clinical testing. Allele origin: germline.
Comment: The HGF c.2095A>G variant is predicted to result in the amino acid substitution p.Ile699Val. To our knowledge, this variant has not been reported in the literature. This variant is reported in 0.029% of alleles in individuals of South Asian descent in gnomAD. At this time, the clinical significance of this variant is uncertain due to the absence of conclusive functional and genetic evidence.

Labcorp Genetics (formerly Invitae), Labcorp
Classification: Uncertain significance. Last evaluated: 2024-02-24. Review status: criteria provided, single submitter. Criteria: Invitae Variant Classification Sherloc (09022015). Collection method: clinical testing. Allele origin: germline.
Comment: This sequence change replaces isoleucine, which is neutral and non-polar, with valine, which is neutral and non-polar, at codon 699 of the HGF protein (p.Ile699Val). This variant is present in population databases (rs372366408, gnomAD 0.03%). This variant has not been reported in the literature in individuals affected with HGF-related conditions. ClinVar contains an entry for this variant (Variation ID: 1427897). Algorithms developed to predict the effect of missense changes on protein structure and function output the following: SIFT: "Not Available"; PolyPhen-2: "Benign"; Align-GVGD: "Not Available". The valine amino acid residue is found in multiple mammalian species, which suggests that this missense change does not adversely affect protein function. In summary, the available evidence is currently insufficient to determine the role of this variant in disease. Therefore, it has been classified as a Variant of Uncertain Significance.

NM_000601.6(HGF):c.2095A>G (p.Ile699Val)

Gene: HGF (hepatocyte growth factor; minus strand). Cytogenetic location: 7q21.11.
Variant type: single nucleotide variant.
Coding change: c.2095A>G on transcript NM_000601.6 (MANE Select); coding-DNA position 2095, A replaced by G.
Protein change: p.Ile699Val; replaces isoleucine 699 with valine.
Molecular consequence: missense variant.
Genome position (GRCh38, 1-based): chr7:81,702,673, T>C on the plus strand (A>G on the coding strand, the complement: HGF is on the minus strand). VCF-style: chr7-81702673-T-C. GRCh37 (hg19) VCF-style: chr7-81331989-T-C.
Other names: c.2080A>G, p.Ile694Val (NM_001010932.3); c.2095A>G (NM_000601.5); short protein forms I694V, I699V.
Identifiers: ClinVar variation 1427897 (VCV001427897.7), dbSNP rs372366408, ClinGen allele CA4316714.
Genomic context (GRCh38, chr7:81,702,673, plus strand): 5'-TTTTGTGTATCCATTTTGCATAATATGCTACTCGGACAAAAATACCAGGACGATTTGGAA[T>C]GGCACATCCACGACCAGGAACAATGACACCAAGAACCATTCTCATTTTATGTTGCTCACA-3'
Protein context (NP_000592.3, residues 689-709): GVIVPGRGCA[Ile699Val]PNRPGIFVRV